The following is an entry in ClinVar:

ClinVar aggregate classification (germline): Uncertain significance. Review status: criteria provided, multiple submitters, no conflicts (2 of 4 stars). 3 submissions from 3 submitters: Uncertain significance (3). Last evaluated 2025-10-27.

Conditions:
Ataxia-telangiectasia syndrome (AT). Also called: LOUIS-BAR SYNDROME; Cerebello-oculocutaneous telangiectasia; Immunodeficiency with ataxia telangiectasia; Ataxia-telangiectasia, complementation group D; AT, COMPLEMENTATION GROUP C; Ataxia-telangiectasia, complementation group E. Identifiers: Orphanet 100, MedGen C0004135, MONDO:0008840, OMIM 208900.

Submissions (3):

Women's Health and Genetics/Laboratory Corporation of America, LabCorp
Classification: Uncertain significance. Last evaluated: 2025-10-27. Review status: criteria provided, single submitter. Criteria: LabCorp Variant Classification Summary - May 2015. Collection method: clinical testing. Allele origin: germline.
Comment: Variant summary: ATM c.8297T>G (p.Val2766Gly) results in a non-conservative amino acid change in the encoded protein sequence. Algorithms developed to predict the effect of missense changes on protein structure and function all suggest that this variant is likely to be disruptive. The variant was absent in 251380 control chromosomes. The available data on variant occurrences in the general population are insufficient to allow any conclusion about variant significance. c.8297T>G has been observed in individual affected with Ataxia-telangiectasia syndrome (Kuzmenko_2024, Jenni_2024). These data do not allow any conclusion about variant significance. To our knowledge, no experimental evidence demonstrating an impact on protein function has been reported. The following publications have been ascertained in the context of this evaluation (PMID: 39098699, 39052144). ClinVar contains an entry for this variant (Variation ID: 423125). Based on the evidence outlined above, the variant was classified as uncertain significance.

Labcorp Genetics (formerly Invitae), Labcorp
Classification: Uncertain significance for Ataxia-telangiectasia syndrome. Last evaluated: 2021-06-14. Review status: criteria provided, single submitter. Criteria: Invitae Variant Classification Sherloc (09022015). Collection method: clinical testing. Allele origin: germline.
Comment: This variant has not been reported in the literature in individuals with ATM-related conditions. ClinVar contains an entry for this variant (Variation ID: 423125). Advanced modeling of protein sequence and biophysical properties (such as structural, functional, and spatial information, amino acid conservation, physicochemical variation, residue mobility, and thermodynamic stability) performed at Invitae indicates that this missense variant is expected to disrupt ATM protein function. In summary, the available evidence is currently insufficient to determine the role of this variant in disease. Therefore, it has been classified as a Variant of Uncertain Significance. This variant is not present in population databases (ExAC no frequency). This sequence change replaces valine with glycine at codon 2766 of the ATM protein (p.Val2766Gly). The valine residue is moderately conserved and there is a moderate physicochemical difference between valine and glycine.

GeneDx
Classification: Uncertain significance. Last evaluated: 2017-01-18. Review status: criteria provided, single submitter. Criteria: GeneDx Variant Classification (06012015). Collection method: clinical testing. Allele origin: germline. Affected: yes.
Comment: This variant is denoted ATM c.8297T>G at the cDNA level, p.Val2766Gly (V2766G) at the protein level, and results in the change of a Valine to a Glycine (GTT>GGT). This variant has not, to our knowledge, been published in the literature as pathogenic or benign. ATM Val2766Gly was not observed in approximately 6,500 individuals of European and African American ancestry in the NHLBI Exome Sequencing Project, suggesting it is not a common benign variant in these populations. Since Valine and Glycine share similar properties, this is considered a conservative amino acid substitution. ATM Val2766Gly occurs at a position that is conserved across species and is located in the kinase domain (Stracker 2013). In silico analyses predict that this variant is probably damaging to protein structure and function. Based on currently available evidence, it is unclear whether ATM Val2766Gly is a pathogenic or benign variant. We consider it to be a variant of uncertain significance.

Literature cited by the submitters: PubMed 39052144 (cited by Women's Health and Genetics/Laboratory Corporation of America, LabCorp); PubMed 39098699 (cited by Women's Health and Genetics/Laboratory Corporation of America, LabCorp).

NM_000051.4(ATM):c.8297T>G (p.Val2766Gly)

Genes: ATM (ATM serine/threonine kinase; plus strand), C11orf65 (chromosome 11 open reading frame 65; minus strand). Cytogenetic location: 11q22.3.
Variant type: single nucleotide variant.
Coding change: c.8297T>G on transcript NM_000051.4 (MANE Select); coding-DNA position 8297, T replaced by G.
Protein change: p.Val2766Gly; replaces valine 2766 with glycine.
Molecular consequence: missense variant. On other transcripts: intron variant (2).
Genome position (GRCh38, 1-based): chr11:108,343,250, T>G. VCF-style: chr11-108343250-T-G. GRCh37 (hg19) VCF-style: chr11-108213977-T-G.
Other names: c.8297T>G, p.Val2766Gly (NM_001351834.2); c.641-34179A>C (NM_001330368.2); c.695-7958A>C (NM_001351110.2); short protein forms V2766G.
Identifiers: ClinVar variation 423125 (VCV000423125.11), dbSNP rs1064796249, ClinGen allele CA16619255.
Genomic context (GRCh38, chr11:108,343,250, plus strand): 5'-AAAATTAAAAGGTATTTAATCTGTAACTCCAGGTGGTTCCCCTCTCTCAGCGAAGTGGTG[T>G]TCTTGAATGGTGCACAGGAACTGTCCCCATTGGTGAATTTCTTGTTAACAATGAAGATGG-3'
Protein context (NP_000042.3, residues 2756-2776): KVVPLSQRSG[Val2766Gly]LEWCTGTVPI